The following is an entry in ClinVar:

ClinVar aggregate classification (germline): Pathogenic (1 of 4 stars; one submission).

Conditions:
Rubinstein-Taybi syndrome due to CREBBP mutations (RSTS1). Also called: RUBINSTEIN-TAYBI SYNDROME 1, INCOMPLETE; BROAD THUMB-HALLUX SYNDROME; Rubinstein-Taybi syndrome 1; CREBBP-Related Rubinstein-Taybi Syndrome; BROAD THUMBS AND GREAT TOES, CHARACTERISTIC FACIES, AND IMPAIRED INTELLECTUAL DEVELOPMENT; RUBINSTEIN SYNDROME. Identifiers: Orphanet 353277, Orphanet 783, MedGen C4551859, MONDO:0008393, OMIM 180849.

Submission:

Victorian Clinical Genetics Services, Murdoch Childrens Research Institute
Classification: Pathogenic for Rubinstein-Taybi syndrome due to CREBBP mutations. Last evaluated: 2026-07-15. Review status: criteria provided, single submitter. Criteria: ACMG Guidelines, 2015. Collection method: clinical testing. Allele origin: germline. Affected: yes.
Comment: This variant is classified as Pathogenic. Evidence in support of pathogenic classification: Variant is predicted to cause nonsense-mediated decay (NMD) and loss of protein (premature termination codon is located at least 54 nucleotides upstream of the final exon-exon junction); Variant is absent from gnomAD (v2, v3 and v4); Other NMD-predicted variant(s) comparable to the one identified in this case have very strong previous evidence for pathogenicity (DECIPHER); Additional information: This variant is heterozygous; This gene is associated with autosomal dominant disease; This variant has no previous evidence of pathogenicity; No published evidence of segregation with disease has been identified for this variant; No published functional evidence has been identified for this variant; Loss of function is a known mechanism of disease in this gene and is associated with Menke-Hennekam syndrome 1 (MIM#618332) and Rubinstein-Taybi syndrome 1 (MIM#180849).

NM_004380.3(CREBBP):c.1621C>T (p.Gln541Ter)

Gene: CREBBP (CREB binding lysine acetyltransferase; minus strand). Cytogenetic location: 16p13.3.
Variant type: single nucleotide variant.
Coding change: c.1621C>T on transcript NM_004380.3 (MANE Select); coding-DNA position 1621, C replaced by T.
Protein change: p.Gln541Ter; replaces glutamine 541 with a stop codon.
Molecular consequence: nonsense.
Genome position (GRCh38, 1-based): chr16:3,781,259, G>A on the plus strand (C>T on the coding strand, the complement: CREBBP is on the minus strand). VCF-style: chr16-3781259-G-A. GRCh37 (hg19) VCF-style: chr16-3831260-G-A.
Other names: c.1507C>T, p.Gln503Ter (NM_001079846.1); short protein forms Q503*, Q541*.
Identifiers: ClinVar variation 4879632 (VCV004879632.1).